The following is an entry in ClinVar:

ClinVar aggregate classification (germline): Conflicting classifications of pathogenicity. Review status: criteria provided, conflicting classifications (1 of 4 stars). 7 submissions from 7 submitters: Uncertain significance (6); Likely benign (1). Last evaluated 2025-03-04.

Conditions:
Melanoma, cutaneous malignant, susceptibility to, 5. Also called: Cutaneous malignant melanoma 5. Identifiers: Orphanet 618, MedGen C2751295, MONDO:0013133, OMIM 613099.
Tyrosinase-positive oculocutaneous albinism (OCA2). Also called: ALBINISM II; Oculocutaneous albinism type 2; Albinism, oculocutaneous, type II. Identifiers: Orphanet 79432, MedGen C0268495, MONDO:0008746, OMIM 203200.
Increased analgesia from kappa-opioid receptor agonist, female-specific. Identifiers: MedGen C2751296, OMIM 613098.
SKIN/HAIR/EYE PIGMENTATION, VARIATION IN, 2 (SHEP2). Also called: HAIR COLOR 2; BLOND HAIR/FAIR SKIN; RED HAIR COLOR. Identifiers: MedGen C1849452, OMIM 266300.

Allele frequency attached by ClinVar (database versions not stated): gnomAD 0.00008; TOPMed 0.00015; ExAC 0.00017; gnomAD exomes 0.00022; ESP Exome Variant Server 0.00024.
gnomAD v4.1: 213 of 1,613,616 alleles (0.013%); highest among the groups gnomAD compares: Middle Eastern, 0.13%; 1 homozygote.

Submissions (7):

Labcorp Genetics (formerly Invitae), Labcorp
Classification: Uncertain significance for Melanoma, cutaneous malignant, susceptibility to, 5. Last evaluated: 2025-03-04. Review status: criteria provided, single submitter. Criteria: Invitae Variant Classification Sherloc (09022015). Collection method: clinical testing. Allele origin: germline.
Comment: This sequence change replaces proline, which is neutral and non-polar, with serine, which is neutral and polar, at codon 256 of the MC1R protein (p.Pro256Ser). This variant is present in population databases (rs200215218, gnomAD 0.3%), and has an allele count higher than expected for a pathogenic variant. This missense change has been observed in individual(s) with melanoma (PMID: 15998953, 19799798, 23647022, 24982914, 25284244). ClinVar contains an entry for this variant (Variation ID: 470711). Invitae Evidence Modeling of protein sequence and biophysical properties (such as structural, functional, and spatial information, amino acid conservation, physicochemical variation, residue mobility, and thermodynamic stability) has been performed for this missense variant. However, the output from this modeling did not meet the statistical confidence thresholds required to predict the impact of this variant on MC1R protein function. In summary, the available evidence is currently insufficient to determine the role of this variant in disease. Therefore, it has been classified as a Variant of Uncertain Significance.

Blueprint Genetics
Classification: Likely benign. Last evaluated: 2024-09-02. Review status: criteria provided, single submitter. Criteria: ACMG Guidelines, 2015. Collection method: clinical testing. Allele origin: germline.

ARUP Laboratories, Molecular Genetics and Genomics, ARUP Laboratories
Classification: Uncertain significance. Last evaluated: 2024-04-18. Review status: criteria provided, single submitter. Criteria: ARUP Molecular Germline Variant Investigation Process 2024. Collection method: clinical testing. Allele origin: germline.
Comment: The MC1R c.766C>T; p.Pro256Ser variant (rs200215218, ClinVar Variation ID: 470711) is reported in the literature in several individuals with melanoma (Casula 2009, Elincx-Benizri 2014, Hu 2014, Landi 2005, Puig-Butille 2013). This variant is found in the general population with an overall allele frequency of 0.02% (57/280,326 alleles) in the Genome Aggregation Database (v2.1.1). Computational analyses predict that this variant is deleterious (REVEL: 0.77). However, given the limited clinical data and lack of functional data, the significance of this variant is uncertain at this time. References: Casula M et al. Role of key-regulator genes in melanoma susceptibility and pathogenesis among patients from South Italy. BMC Cancer. 2009 Oct 3;9:352. PMID: 19799798. Elincx-Benizri S et al. The melanocortin 1 receptor (Mc1r) variants do not account for the co-occurrence of Parkinson's disease and malignant melanoma. J Mol Neurosci. 2014 Dec;54(4):820-5. PMID: 25284244. Hu HH et al. A large French case-control study emphasizes the role of rare Mc1R variants in melanoma risk. Biomed Res Int. 2014;2014:925716. PMID: 24982914. Landi MT et al. MC1R, ASIP, and DNA repair in sporadic and familial melanoma in a Mediterranean population. J Natl Cancer Inst. 2005 Jul 6;97(13):998-1007. PMID: 15998953. Puig-Butille JA et al. Distribution of MC1R variants among melanoma subtypes: p.R163Q is associated with lentigo maligna melanoma in a Mediterranean population. Br J Dermatol. 2013 Oct;169(4):804-11. PMID: 23647022.

3billion
Classification: Uncertain significance for Tyrosinase-positive oculocutaneous albinism. Last evaluated: 2022-05-22. Review status: criteria provided, single submitter. Criteria: ACMG Guidelines, 2015. Collection method: clinical testing. Allele origin: germline. Affected: yes. Observed: 1 heterozygote.
Comment: The variant is observed at an extremely low frequency in the gnomAD v2.1.1 dataset (total allele frequency: 0.020%). In silico tool predictions suggest damaging effect of the variant on gene or gene product (REVEL: 0.77; 3Cnet: 0.09). Same nucleotide change resulting in same amino acid change has been previously reported to be associated with MC1R- related disorder (PMID: 11933208). However, the evidence of pathogenicity is insufficient at this time and classified as auncertain significancein ClinVar (ClinVar ID: VCV000470711). Therefore, this variant is classified as uncertain significanceaccording to the recommendation of ACMG/AMP guideline.

Department of Pathology and Laboratory Medicine, Sinai Health System
Classification: Uncertain significance for Tyrosinase-positive oculocutaneous albinism. Last evaluated: 2021-07-30. Review status: criteria provided, single submitter. Criteria: ACMG Guidelines, 2015. Collection method: research. Allele origin: germline.

Fulgent Genetics
Classification: Uncertain significance for Tyrosinase-positive oculocutaneous albinism; SKIN/HAIR/EYE PIGMENTATION, VARIATION IN, 2; Increased analgesia from kappa-opioid receptor agonist, female-specific; Melanoma, cutaneous malignant, susceptibility to, 5. Last evaluated: 2018-10-31. Review status: criteria provided, single submitter. Criteria: ACMG Guidelines, 2015. Collection method: clinical testing. Allele origin: unknown.

Illumina Laboratory Services, Illumina
Classification: Uncertain significance for Melanoma, cutaneous malignant, susceptibility to, 5. Last evaluated: 2017-04-28. Review status: criteria provided, single submitter. Criteria: ICSL Variant Classification Criteria 13 December 2019. Collection method: clinical testing. Allele origin: germline.

Literature cited by the submitters: PubMed 15998953 (cited by Labcorp Genetics (formerly Invitae), Labcorp); PubMed 19799798 (cited by Labcorp Genetics (formerly Invitae), Labcorp); PubMed 23647022 (cited by Labcorp Genetics (formerly Invitae), Labcorp); PubMed 24982914 (cited by Labcorp Genetics (formerly Invitae), Labcorp); PubMed 25284244 (cited by Labcorp Genetics (formerly Invitae), Labcorp); PubMed 11933208 (cited by 3billion).

NM_002386.4(MC1R):c.766C>T (p.Pro256Ser)

Gene: MC1R (melanocortin 1 receptor; plus strand). Cytogenetic location: 16q24.3.
Variant type: single nucleotide variant.
Coding change: c.766C>T on transcript NM_002386.4 (MANE Select); coding-DNA position 766, C replaced by T.
Protein change: p.Pro256Ser; replaces proline 256 with serine.
Molecular consequence: missense variant.
Genome position (GRCh38, 1-based): chr16:89,920,024, C>T. VCF-style: chr16-89920024-C-T. GRCh37 (hg19) VCF-style: chr16-89986432-C-T.
Other names: short protein forms P256S.
Identifiers: ClinVar variation 470711 (VCV000470711.18), dbSNP rs200215218, ClinGen allele CA8255739.